The following is an entry in ClinVar:

ClinVar aggregate classification (germline): Benign (0 of 4 stars; one submission).

Conditions:
OGDHL-related disorder. Also called: OGDHL-related condition.

Allele frequency attached by ClinVar (database versions not stated): ESP Exome Variant Server 0.38790; TOPMed 0.40550; gnomAD 0.41080; 1000 Genomes Project 30x 0.45378; 1000 Genomes Project 0.46426.
gnomAD v4.1: 771,302 of 1,613,382 alleles (48%); highest among the groups gnomAD compares: East Asian, 89%; 193,363 homozygotes.

Submission:

PreventionGenetics, part of Exact Sciences
Classification: Benign for OGDHL-related condition. Last evaluated: 2021-11-11. Review status: no assertion criteria provided. Collection method: clinical testing. Allele origin: germline.
Comment: This variant is classified as benign based on ACMG/AMP sequence variant interpretation guidelines (Richards et al. 2015 PMID: 25741868, with internal and published modifications).

NM_018245.3(OGDHL):c.564C>T (p.Leu188=)

Gene: OGDHL (oxoglutarate dehydrogenase L; minus strand). Cytogenetic location: 10q11.23.
Variant type: single nucleotide variant.
Coding change: c.564C>T on transcript NM_018245.3 (MANE Select); coding-DNA position 564, C replaced by T.
Protein change: p.Leu188=; no amino-acid change (leucine 188 retained).
Molecular consequence: synonymous variant. On other transcripts: 5 prime UTR variant (5), non-coding transcript variant (5).
Genome position (GRCh38, 1-based): chr10:49,752,163, G>A on the plus strand (C>T on the coding strand, the complement: OGDHL is on the minus strand). VCF-style: chr10-49752163-G-A. GRCh37 (hg19) VCF-style: chr10-50960209-G-A.
Other names: c.393C>T, p.Leu131= (NM_001143996.2, NM_001347820.1); c.-64C>T (NM_001143997.2, NM_001347821.2, NM_001347822.1 and 1 more transcripts); c.564C>T, p.Leu188= (NM_001347819.1, NM_001347823.1, NM_001347824.2); c.-363C>T (NM_001347826.1).
Identifiers: ClinVar variation 3059593 (VCV003059593.2), dbSNP rs1258184, ClinGen allele CA5498898.
Genomic context (GRCh38, chr10:49,752,163, plus strand): 5'-GCTGCACCCCACACACCCGCCTGTGCTCACCTCCAGGCGCCGAATGATCTCCCGCAGAGA[G>A]AGGGTGTTTTCAGAGCCCCCAATGAAGGTGGTTGTCGGCAGCTGGAACTCCTTATCAAGG-3'
Protein context (NP_060715.2, residues 178-198): TTFIGGSENT[Leu188=]SLREIIRRLE